The following is an entry in ClinVar:

NM_001378778.1(MPDZ):c.4411dup (p.Ala1471fs)

Gene: MPDZ (multiple PDZ domain crumbs cell polarity complex component; minus strand). Cytogenetic location: 9p23.
Variant type: Duplication.
Coding change: c.4411dup on transcript NM_001378778.1 (MANE Select); coding-DNA position 4411, one base duplicated (G; older notation c.4411dupG).
Protein change: p.Ala1471fs; shifts the reading frame from alanine 1471.
Molecular consequence: frameshift variant.
Genome position (GRCh38, 1-based): chr9:13,133,877, C duplicated on the plus strand (G on the coding strand, the reverse complement: MPDZ is on the minus strand). VCF-style (leftmost placement, unchanged base first): chr9-13133876-G-GC. GRCh37 (hg19) VCF-style: chr9-13133875-G-GC.
Other names: c.4312dup, p.Ala1438fs (NM_001261406.2, NM_001261407.2, NM_001375416.1 and 3 more transcripts); c.4411dup, p.Ala1471fs (NM_001330637.2, NM_003829.5); c.4510dup, p.Ala1504fs (NM_001375413.1); c.4201dup, p.Ala1401fs (NM_001375420.1, NM_001375421.1, NM_001375422.1 and 4 more transcripts); c.4003dup, p.Ala1335fs (NM_001375427.1); short protein forms A1438fs, A1335fs, A1471fs, A1504fs, A1401fs.
Identifiers: ClinVar variation 5007406 (VCV005007406.2).

ClinVar aggregate classification (germline): Likely pathogenic (1 of 4 stars; one submission).

Conditions:
Hydrocephalus, nonsyndromic, autosomal recessive 2. Also called: Hydrocephalus, congenital, 2, with or without brain or eye anomalies. Identifiers: Orphanet 2185, MedGen C3554691, MONDO:0014085, OMIM 615219.

Submission:

Juno Genomics, Hangzhou Juno Genomics, Inc
Classification: Likely pathogenic for Hydrocephalus, nonsyndromic, autosomal recessive 2. Review status: criteria provided, single submitter. Criteria: ACMG Guidelines, 2015. Collection method: clinical testing. Allele origin: germline.
Comment: Null variant in a gene where loss of function (LOF) is a known mechanism of disease.;Absent from controls (or at extremely low frequency if recessive) in Genome Aggregation Database.